The following is an entry in ClinVar:

ClinVar aggregate classification (germline): Likely pathogenic (1 of 4 stars; one submission).

Conditions:
Kleefstra syndrome 1 (KLEFS1). Identifiers: Orphanet 261494, MedGen C0795833, MONDO:0027407, OMIM 610253.

Submission:

Labcorp Genetics (formerly Invitae), Labcorp
Classification: Likely pathogenic for Kleefstra syndrome 1. Last evaluated: 2022-03-01. Review status: criteria provided, single submitter. Criteria: Invitae Variant Classification Sherloc (09022015). Collection method: clinical testing. Allele origin: germline.
Comment: This sequence change replaces cysteine, which is neutral and slightly polar, with arginine, which is basic and polar, at codon 1105 of the EHMT1 protein (p.Cys1105Arg). This variant is not present in population databases (gnomAD no frequency). This missense change has been observed in individual(s) with clinical features of Kleefstra syndrome (Invitae). In at least one individual the variant was observed to be de novo. Algorithms developed to predict the effect of missense changes on protein structure and function (SIFT, PolyPhen-2, Align-GVGD) all suggest that this variant is likely to be disruptive. In summary, the currently available evidence indicates that the variant is pathogenic, but additional data are needed to prove that conclusively. Therefore, this variant has been classified as Likely Pathogenic.

NM_024757.5(EHMT1):c.3313T>C (p.Cys1105Arg)

Gene: EHMT1 (euchromatic histone lysine methyltransferase 1; plus strand). Cytogenetic location: 9q34.3.
Variant type: single nucleotide variant.
Coding change: c.3313T>C on transcript NM_024757.5 (MANE Select); coding-DNA position 3313, T replaced by C.
Protein change: p.Cys1105Arg; replaces cysteine 1105 with arginine.
Molecular consequence: missense variant.
Genome position (GRCh38, 1-based): chr9:137,816,001, T>C. VCF-style: chr9-137816001-T-C. GRCh37 (hg19) VCF-style: chr9-140710453-T-C.
Other names: c.3292T>C, p.Cys1098Arg (NM_001354263.2); short protein forms C1105R, C1098R.
Identifiers: ClinVar variation 2050703 (VCV002050703.4), dbSNP rs2538719684, ClinGen allele CA375796480.
Genomic context (GRCh38, chr9:137,816,001, plus strand): 5'-CCACAGGATGGCCGGCTCCTGCCAGAGTTCAACATGGCGGAGCCTCCCTTGATCTTCGAA[T>C]GCAACCACGCGTGCTCCTGCTGGAGGAACTGCCGAAATCGCGTCGTACAGAATGGTCTCA-3'
Protein context (NP_079033.4, residues 1095-1115): NMAEPPLIFE[Cys1105Arg]NHACSCWRNC